The following is an entry in ClinVar:

ClinVar aggregate classification (germline): Uncertain significance. Review status: criteria provided, multiple submitters, no conflicts (2 of 4 stars). 2 submissions from 2 submitters: Uncertain significance (2). Last evaluated 2026-01-15.

Conditions:
Inborn genetic diseases. Identifiers: MedGen C0950123, MeSH D030342.
Baller-Gerold syndrome (BGS). Also called: CRANIOSYNOSTOSIS WITH RADIAL DEFECTS. Identifiers: Orphanet 1225, MedGen C0265308, MONDO:0009039, OMIM 218600.

Allele frequency attached by ClinVar (database versions not stated): gnomAD exomes below 0.00001; ExAC 0.00001.

Submissions (2):

Ambry Genetics
Classification: Uncertain significance for Inborn genetic diseases. Last evaluated: 2026-01-15. Review status: criteria provided, single submitter. Criteria: Ambry Variant Classification Scheme 2023. Collection method: clinical testing. Allele origin: germline.
Comment: The p.Y319C variant (also known as c.956A>G), located in coding exon 5 of the RECQL4 gene, results from an A to G substitution at nucleotide position 956. The tyrosine at codon 319 is replaced by cysteine, an amino acid with highly dissimilar properties. This amino acid position is conserved. In addition, this alteration is predicted to be tolerated by in silico analysis. Based on the available evidence, the clinical significance of this variant remains unclear.

Labcorp Genetics (formerly Invitae), Labcorp
Classification: Uncertain significance for Baller-Gerold syndrome. Last evaluated: 2023-05-23. Review status: criteria provided, single submitter. Criteria: Invitae Variant Classification Sherloc (09022015). Collection method: clinical testing. Allele origin: germline.
Comment: ClinVar contains an entry for this variant (Variation ID: 858065). This variant has not been reported in the literature in individuals affected with RECQL4-related conditions. This variant is present in population databases (rs773296181, gnomAD 0.0009%). This sequence change replaces tyrosine, which is neutral and polar, with cysteine, which is neutral and slightly polar, at codon 319 of the RECQL4 protein (p.Tyr319Cys). Experimental studies and prediction algorithms are not available or were not evaluated, and the functional significance of this variant is currently unknown. In summary, the available evidence is currently insufficient to determine the role of this variant in disease. Therefore, it has been classified as a Variant of Uncertain Significance.

NM_004260.4(RECQL4):c.956A>G (p.Tyr319Cys)

Gene: RECQL4 (RecQ like helicase 4; minus strand). Cytogenetic location: 8q24.3.
Variant type: single nucleotide variant.
Coding change: c.956A>G on transcript NM_004260.4 (MANE Select); coding-DNA position 956, A replaced by G.
Protein change: p.Tyr319Cys; replaces tyrosine 319 with cysteine.
Molecular consequence: missense variant.
Genome position (GRCh38, 1-based): chr8:144,516,163, T>C on the plus strand (A>G on the coding strand, the complement: RECQL4 is on the minus strand). VCF-style: chr8-144516163-T-C. GRCh37 (hg19) VCF-style: chr8-145741547-T-C.
Other names: short protein forms Y319C.
Identifiers: ClinVar variation 858065 (VCV000858065.7), dbSNP rs773296181, ClinGen allele CA4949128.